The following is an entry in ClinVar:

ClinVar aggregate classification (germline): Conflicting classifications of pathogenicity. Review status: criteria provided, conflicting classifications (1 of 4 stars). 2 submissions from 2 submitters: Likely pathogenic (1); Uncertain significance (1). Last evaluated 2025-08-06.

Conditions:
Neonatal-onset encephalopathy with rigidity and seizures. Also called: Lethal neonatal spasticity-epileptic encephalopathy syndrome. Identifiers: Orphanet 435845, MedGen C3281029, MONDO:0013784, OMIM 614498.

Allele frequency attached by ClinVar (database versions not stated): TOPMed 0.00001.
gnomAD v4.1: 32 of 1,553,146 alleles (0.0021%); highest among the groups gnomAD compares: East Asian, 0.0072%; no homozygotes.

Submissions (2):

GeneDx
Classification: Likely pathogenic. Last evaluated: 2025-08-06. Review status: criteria provided, single submitter. Criteria: GeneDx Variant Classification Process June 2021. Collection method: clinical testing. Allele origin: germline. Affected: yes.
Comment: Not observed at significant frequency in large population cohorts (gnomAD); In silico analysis suggests that this missense variant does not alter protein structure/function; This variant is associated with the following publications: (PMID: 37344571)

Labcorp Genetics (formerly Invitae), Labcorp
Classification: Uncertain significance for Neonatal-onset encephalopathy with rigidity and seizures. Last evaluated: 2023-02-23. Review status: criteria provided, single submitter. Criteria: Invitae Variant Classification Sherloc (09022015). Collection method: clinical testing. Allele origin: germline.
Comment: This sequence change replaces alanine, which is neutral and non-polar, with threonine, which is neutral and polar, at codon 136 of the BRAT1 protein (p.Ala136Thr). In summary, the available evidence is currently insufficient to determine the role of this variant in disease. Therefore, it has been classified as a Variant of Uncertain Significance. Advanced modeling of protein sequence and biophysical properties (such as structural, functional, and spatial information, amino acid conservation, physicochemical variation, residue mobility, and thermodynamic stability) performed at Invitae indicates that this missense variant is expected to disrupt BRAT1 protein function. ClinVar contains an entry for this variant (Variation ID: 579978). This variant has not been reported in the literature in individuals affected with BRAT1-related conditions. This variant is not present in population databases (gnomAD no frequency).

NM_152743.4(BRAT1):c.406G>A (p.Ala136Thr)

Gene: BRAT1 (BRCA1 associated ATM activator 1; minus strand). Cytogenetic location: 7p22.3.
Variant type: single nucleotide variant.
Coding change: c.406G>A on transcript NM_152743.4 (MANE Select); coding-DNA position 406, G replaced by A.
Protein change: p.Ala136Thr; replaces alanine 136 with threonine.
Molecular consequence: missense variant. On other transcripts: non-coding transcript variant (1), intron variant (1).
Genome position (GRCh38, 1-based): chr7:2,544,933, C>T on the plus strand (G>A on the coding strand, the complement: BRAT1 is on the minus strand). VCF-style: chr7-2544933-C-T. GRCh37 (hg19) VCF-style: chr7-2584567-C-T.
Other names: c.406G>A, p.Ala136Thr (NM_001350626.2); c.-95-971G>A (NM_001350627.2); short protein forms A136T.
Identifiers: ClinVar variation 579978 (VCV000579978.11), dbSNP rs1562582288, ClinGen allele CA366632796.